The following is an entry in ClinVar:

NM_000402.4(G6PD):c.1249C>T (p.Arg417Cys)

Gene: G6PD (glucose-6-phosphate dehydrogenase; minus strand). Cytogenetic location: Xq28.
Variant type: single nucleotide variant.
Coding change: c.1249C>T on transcript NM_000402.4; coding-DNA position 1249, C replaced by T.
Protein change: p.Arg417Cys; replaces arginine 417 with cysteine.
Molecular consequence: missense variant.
Genome position (GRCh38, 1-based): chrX:154,532,695, G>A on the plus strand (C>T on the coding strand, the complement: G6PD is on the minus strand). VCF-style: chrX-154532695-G-A. GRCh37 (hg19) VCF-style: chrX-153760910-G-A.
Other names: G6PD, ARG387CYS; G6PD Guadalajara; c.1159C>T, p.Arg387Cys (NM_001042351.3, NM_001360016.2); c.1159C>T (NM_001042351.2); short protein forms R387C, R417C.
Identifiers: ClinVar variation 10396 (VCV000010396.11), dbSNP rs137852334, ClinGen allele CA121006.

ClinVar aggregate classification (germline): Pathogenic. Review status: criteria provided, multiple submitters, no conflicts (2 of 4 stars). 7 submissions from 6 submitters: Pathogenic (5). 2 of the submissions do not count toward it. Last evaluated 2026-06-30.

Conditions:
G6PD-related disorder. Also called: G6PD-related condition.
G6PD GUADALAJARA.
Anemia, nonspherocytic hemolytic, due to G6PD deficiency (CNSHA1). Also called: Class I glucose-6-phosphate dehydrogenase deficiency; ANEMIA, CONGENITAL, NONSPHEROCYTIC HEMOLYTIC, 1; Hemolytic anemia due to G6PD deficiency; Favism, susceptibility to. Identifiers: Orphanet 466026, MedGen C2720289, MONDO:0010480, OMIM 300908.

Submissions (7):

PreventionGenetics, part of Exact Sciences
Classification: Pathogenic for G6PD-related condition. Last evaluated: 2026-06-30. Review status: criteria provided, single submitter. Criteria: ACMG Guidelines, 2015. Collection method: clinical testing. Allele origin: germline.
Comment: The G6PD c.1159C>T variant is predicted to result in the amino acid substitution p.Arg387Cys. This variant is also described as G6PD-Guadalajara in the literature and as c.1249C>T, p.Arg417Cys in NM_000402. This variant has been reported in the hemizygous state in multiple individuals with chronic non-spherocytic hemolytic anemia (CNSHA; Beutler et al. 1992. PubMed ID: 1611091; Keller et al. 2015. PubMed ID: 26279483; Lee et al. 2017. PubMed ID: 28028996; Jamwal et al. 2020. PubMed ID: 32036089), including one individual with a severe phenotype who was also hemizygous for the p.Asn126Asp risk variant (combined haplotype described as "G6PD-Mount Sinai" in Vlachos et al. 1998. PubMed ID: 9452072). In vitro studies have demonstrated greatly reduced enzymatic activity (~2-14%) in patient red blood cells (Vaca et al. 1982. PubMed ID: 7129446; Vulliamy et al. 1998. PubMed ID: 9674740; Lee et al. 2017. PubMed ID: 28028996), possibly due to reduced protein stability (Praoparotai et al. 2020. PubMed ID: 32387609). This variant has not been reported in a large population database (gnomAD), indicating this variant is rare. An alternate missense variant of the same amino acid (p.Arg387His) has also been reported in individuals with G6PD deficiency (Hirono et al. 1989. PubMed ID: 2602358; Hundsdoerfer et al. 2002. PubMed ID: 12187030; Walsh et al. 2018. PubMed ID: 29248304). Taken together, the p.Arg387Cys variant is interpreted as pathogenic.

GeneDx
Classification: Pathogenic. Last evaluated: 2024-12-15. Review status: criteria provided, single submitter. Criteria: GeneDx Variant Classification Process June 2021. Collection method: clinical testing. Allele origin: germline. Affected: yes.
Comment: Published functional studies demonstrate a damaging effect on G6PD activity (PMID: 37628871); In silico analysis supports that this missense variant has a deleterious effect on protein structure/function; Not observed at significant frequency in large population cohorts (gnomAD); This variant is associated with the following publications: (PMID: 26279483, 9452072, 36681081, 32036089, 1611091, 37628871)

Labcorp Genetics (formerly Invitae), Labcorp
Classification: Pathogenic for Anemia, nonspherocytic hemolytic, due to G6PD deficiency. Last evaluated: 2022-09-09. Review status: criteria provided, single submitter. Criteria: Invitae Variant Classification Sherloc (09022015). Collection method: clinical testing. Allele origin: germline.
Comment: This sequence change replaces arginine, which is basic and polar, with cysteine, which is neutral and slightly polar, at codon 387 of the G6PD protein (p.Arg387Cys). This variant is not present in population databases (gnomAD no frequency). This missense change has been observed in individuals with G6PD deficiency (PMID: 1611091). ClinVar contains an entry for this variant (Variation ID: 10396). Advanced modeling of protein sequence and biophysical properties (such as structural, functional, and spatial information, amino acid conservation, physicochemical variation, residue mobility, and thermodynamic stability) performed at Invitae indicates that this missense variant is expected to disrupt G6PD protein function. This variant disrupts the p.Arg387 amino acid residue in G6PD. Other variant(s) that disrupt this residue have been determined to be pathogenic (PMID: 2602358, 12187030, 29248304; Invitae). This suggests that this residue is clinically significant, and that variants that disrupt this residue are likely to be disease-causing. For these reasons, this variant has been classified as Pathogenic.

Dunham Lab, University of Washington
Classification: Pathogenic for Anemia, nonspherocytic hemolytic, due to G6PD deficiency. Last evaluated: 2022-08-12. Review status: criteria provided, single submitter. Criteria: Bayesian ACMG Guidelines, 2018. Collection method: curation. Allele origin: maternal. Affected: yes.
Comment: Variant found in unrelated hemizygotes with deficiency and CNSHA (PS4_M, PP4). Decreased activity in red blood cells (1-14%) and no detectable activity when expressed in E. coli (PS3). Affects same amino acid as pathogenic 387R>C (ClinVar ID 10396) (PM5). Within dimer interface (PM1). Predicted to be damaging or deleterious by multiple computational algorithms (PP3). Not found in gnomAD (PM2). Post_P 0.99996 (odds of pathogenicity 256136, Prior_P 0.1).

Neuberg Centre For Genomic Medicine, NCGM
Classification: Pathogenic for Anemia, nonspherocytic hemolytic, due to G6PD deficiency. Review status: criteria provided, single submitter. Criteria: ACMG Guidelines, 2015. Collection method: clinical testing. Allele origin: germline. Inheritance: X-linked inheritance. Affected: yes.
Comment: The missense variant p.R387C in G6PD (NM_001042351.3) has been previously reported in individuals affected with Chronic nonspherocytic hemolytic anemia (Keller et al, 2015). Experimental study depicts that the c.1159C >T mutation in the G6PD gene, results in a large reduction of G6PD enzyme activity ie; 14% (Vaca et al, 1982). The p.R387C variant is novel (not in any individuals) in gnomAD Exomes and is novel (not in any individuals) in 1000 Genomes. There is a large physicochemical difference between arginine and cysteine, which is likely to impact secondary protein structure as these residues differ in polarity, charge, size and/or other properties. The p.R387C missense variant is predicted to be damaging by both SIFT and PolyPhen2. The arginine residue at codon 387 of G6PD is conserved in all mammalian species. The nucleotide c.1159 in G6PD is predicted conserved by GERP++ and PhyloP across 100 vertebrates. For these reasons, this variant has been classified as Pathogenic

OMIM
Classification: other for G6PD GUADALAJARA. Last evaluated: 1982-01-01. Review status: no assertion criteria provided. Collection method: literature only. Allele origin: germline. Not counted in ClinVar's aggregate classification.

OMIM
Classification: Pathogenic for ANEMIA, CONGENITAL, NONSPHEROCYTIC HEMOLYTIC, 1. Last evaluated: 1982-01-01. Review status: no assertion criteria provided. Collection method: literature only. Allele origin: germline. Not counted in ClinVar's aggregate classification.

Literature cited by the submitters: PubMed 1611091 (cited by Labcorp Genetics (formerly Invitae), Labcorp and Dunham Lab, University of Washington); PubMed 2602358 (cited by Labcorp Genetics (formerly Invitae), Labcorp); PubMed 12187030 (cited by Labcorp Genetics (formerly Invitae), Labcorp); PubMed 29248304 (cited by Labcorp Genetics (formerly Invitae), Labcorp); PubMed 28028996 (cited by Dunham Lab, University of Washington); PubMed 7858267 (cited by Dunham Lab, University of Washington); PubMed 9674740 (cited by Dunham Lab, University of Washington); PubMed 8193373 (cited by Dunham Lab, University of Washington); PubMed 7129446 (cited by Dunham Lab, University of Washington and OMIM); PubMed 32387609 (cited by Dunham Lab, University of Washington); PubMed 31294066 (cited by Dunham Lab, University of Washington); PubMed 6344088 (cited by OMIM).